The following is an entry in ClinVar:

ClinVar aggregate classification (germline): Likely benign (1 of 4 stars; one submission).

Allele frequency attached by ClinVar (database versions not stated): ExAC 0.00044; 1000 Genomes Project 30x 0.00094; TOPMed 0.00144; gnomAD exomes 0.00034 and 0.00012; 1000 Genomes Project 0.00100; gnomAD 0.00112; ESP Exome Variant Server 0.00092.
gnomAD v4.1: 368 of 1,604,858 alleles (0.023%); highest among the groups gnomAD compares: African/African-American, 0.43%; 1 homozygote.

Submission:

GeneDx
Classification: Likely benign. Last evaluated: 2017-03-20. Review status: criteria provided, single submitter. Criteria: GeneDx Variant Classification (06012015). Collection method: clinical testing. Allele origin: germline. Affected: yes.
Comment: This variant is considered likely benign or benign based on one or more of the following criteria: it is a conservative change, it occurs at a poorly conserved position in the protein, it is predicted to be benign by multiple in silico algorithms, and/or has population frequency not consistent with disease.

NM_003494.4(DYSF):c.-44C>T

Gene: DYSF (dysferlin; plus strand). Cytogenetic location: 2p13.2.
Variant type: single nucleotide variant.
Coding change: c.-44C>T on transcript NM_003494.4 (MANE Plus Clinical); 44 bases upstream of the start codon, C replaced by T.
Molecular consequence: 5 prime UTR variant.
Genome position (GRCh38, 1-based): chr2:71,453,955, C>T. VCF-style: chr2-71453955-C-T. GRCh37 (hg19) VCF-style: chr2-71681085-C-T.
Other names: c.-44C>T (NM_001130976.2, NM_001130977.2, NM_001130978.2 and 3 more transcripts).
Identifiers: ClinVar variation 385866 (VCV000385866.3), dbSNP rs199569685, ClinGen allele CA1705160.